The following is an entry in ClinVar:

ClinVar aggregate classification (germline): Likely benign (1 of 4 stars; one submission).

gnomAD v4.1: 2 of 1,560,106 alleles (0.00013%); highest among the groups gnomAD compares: Admixed American, 0.0038%; no homozygotes.

Submission:

CeGaT Center for Human Genetics Tuebingen
Classification: Likely benign. Last evaluated: 2025-03-01. Review status: criteria provided, single submitter. Criteria: CeGaT Center For Human Genetics Tuebingen Variant Classification Criteria Version 2. Collection method: clinical testing. Allele origin: germline. Affected: yes. Observed: 1 variant allele.
Comment: SOX11: BP4, BP7

NM_003108.4(SOX11):c.453C>T (p.Gly151=)

Gene: SOX11 (SRY-box transcription factor 11; plus strand). Cytogenetic location: 2p25.2.
Variant type: single nucleotide variant.
Coding change: c.453C>T on transcript NM_003108.4 (MANE Select); coding-DNA position 453, C replaced by T.
Protein change: p.Gly151=; no amino-acid change (glycine 151 retained).
Molecular consequence: synonymous variant.
Genome position (GRCh38, 1-based): chr2:5,693,174, C>T. VCF-style: chr2-5693174-C-T. GRCh37 (hg19) VCF-style: chr2-5833306-C-T.
Identifiers: ClinVar variation 3778243 (VCV003778243.7).
Genomic context (GRCh38, chr2:5,693,174, plus strand): 5'-GCCCAGCGCCAGCCAGAGCCCAGAGAAGAGCGCGGCCGGCGGCGGCGGCGGGAGCGCGGG[C>T]GGAGGCGCGGGCGGTGCCAAGACCTCCAAGGGCTCCAGCAAGAAATGCGGCAAGCTCAAG-3'
Protein context (NP_003099.1, residues 141-161): SAAGGGGGSA[Gly151=]GGAGGAKTSK